The following is an entry in ClinVar:

ClinVar aggregate classification (germline): Uncertain significance. Review status: criteria provided, multiple submitters, no conflicts (2 of 4 stars). 4 submissions from 4 submitters: Uncertain significance (3). 1 of the submissions does not count toward it. Last evaluated 2026-09-16.

Conditions:
NEB-related disorder. Also called: NEB-Related Disorders; NEB-related condition.
Nemaline myopathy 2 (NEM2). Also called: Nemaline myopathy 2, autosomal recessive. Identifiers: MedGen C1850569, MONDO:0009725, OMIM 256030.

Allele frequency attached by ClinVar (database versions not stated): ExAC 0.00001; gnomAD exomes 0.00001; gnomAD 0.00002; TOPMed 0.00002.
gnomAD v4.1: 27 of 1,613,466 alleles (0.0017%); highest among the groups gnomAD compares: East Asian, 0.0022%; no homozygotes.

Submissions (4):

PreventionGenetics, part of Exact Sciences
Classification: Uncertain significance for NEB-related condition. Last evaluated: 2026-09-16. Review status: criteria provided, single submitter. Criteria: ACMG Guidelines, 2015. Collection method: clinical testing. Allele origin: germline.
Comment: The NEB c.5882G>A variant is predicted to result in the amino acid substitution p.Arg1961His. To our knowledge, this variant has not been reported in the literature. This variant is reported in 0.0027% of alleles in individuals of European (non-Finnish) descent in gnomAD and is interpreted as uncertain in ClinVar (Variation ID: 1053131). At this time, the clinical significance of this variant is uncertain due to the absence of conclusive functional and genetic evidence.

CeGaT Center for Human Genetics Tuebingen
Classification: Uncertain significance. Last evaluated: 2026-08-01. Review status: criteria provided, single submitter. Criteria: CeGaT Center For Human Genetics Tuebingen Variant Classification Criteria Version 2. Collection method: clinical testing. Allele origin: germline. Affected: yes. Observed: 1 variant allele.
Comment: NEB: PM2

Labcorp Genetics (formerly Invitae), Labcorp
Classification: Uncertain significance for Nemaline myopathy 2. Last evaluated: 2022-01-14. Review status: criteria provided, single submitter. Criteria: Invitae Variant Classification Sherloc (09022015). Collection method: clinical testing. Allele origin: germline.
Comment: This sequence change replaces arginine, which is basic and polar, with histidine, which is basic and polar, at codon 1961 of the NEB protein (p.Arg1961His). This variant is present in population databases (rs767185795, gnomAD 0.003%). This variant has not been reported in the literature in individuals affected with NEB-related conditions. ClinVar contains an entry for this variant (Variation ID: 1053131). Algorithms developed to predict the effect of missense changes on protein structure and function are either unavailable or do not agree on the potential impact of this missense change (SIFT: "Deleterious"; PolyPhen-2: "Not Available"; Align-GVGD: "Class C0"). In summary, the available evidence is currently insufficient to determine the role of this variant in disease. Therefore, it has been classified as a Variant of Uncertain Significance.

Natera, Inc.
Classification: Uncertain significance for Nemaline myopathy type 2. Last evaluated: 2021-02-08. Review status: no assertion criteria provided. Collection method: clinical testing. Allele origin: germline. Not counted in ClinVar's aggregate classification.

NM_001164508.2(NEB):c.5882G>A (p.Arg1961His)

Gene: NEB (nebulin; minus strand). Cytogenetic location: 2q23.3.
Variant type: single nucleotide variant.
Coding change: c.5882G>A on transcript NM_001164508.2 (MANE Select); coding-DNA position 5882, G replaced by A.
Protein change: p.Arg1961His; replaces arginine 1961 with histidine.
Molecular consequence: missense variant.
Genome position (GRCh38, 1-based): chr2:151,662,223, C>T on the plus strand (G>A on the coding strand, the complement: NEB is on the minus strand). VCF-style: chr2-151662223-C-T. GRCh37 (hg19) VCF-style: chr2-152518737-C-T.
Other names: c.5882G>A, p.Arg1961His (NM_001164507.2, NM_001271208.2, NM_004543.5); c.5882G>A (NM_001271208.1); short protein forms R1961H.
Identifiers: ClinVar variation 1053131 (VCV001053131.8), dbSNP rs767185795, ClinGen allele CA1910250.
Genomic context (GRCh38, chr2:151,662,223, plus strand): 5'-GCCAAAACCATGTTCATCGAGTCCATGAGTGTGGAATACTTCAAAGTGTCTGGGTGCTGG[C>T]GGTACTTCTTTTCACTAATAATCTCCATGGCTTTCTTGTTTTTCTCTGCTTCCAGGGAGC-3'
Protein context (NP_001157980.2, residues 1951-1971): AMEIISEKKY[Arg1961His]QHPDTLKYST